The following is an entry in ClinVar:

NM_014908.4(DOLK):c.170A>G (p.Gln57Arg)

Gene: DOLK (dolichol kinase; minus strand). Cytogenetic location: 9q34.11.
Variant type: single nucleotide variant.
Coding change: c.170A>G on transcript NM_014908.4 (MANE Select); coding-DNA position 170, A replaced by G.
Protein change: p.Gln57Arg; replaces glutamine 57 with arginine.
Molecular consequence: missense variant.
Genome position (GRCh38, 1-based): chr9:128,947,134, T>C on the plus strand (A>G on the coding strand, the complement: DOLK is on the minus strand). VCF-style: chr9-128947134-T-C. GRCh37 (hg19) VCF-style: chr9-131709413-T-C.
Other names: short protein forms Q57R.
Identifiers: ClinVar variation 1778518 (VCV001778518.2), dbSNP rs2492005749, ClinGen allele CA375127919.

ClinVar aggregate classification (germline): Uncertain significance (1 of 4 stars; one submission).

Conditions:
Cardiovascular phenotype. Identifiers: MedGen CN230736.

Submission:

Ambry Genetics
Classification: Uncertain significance for Cardiovascular phenotype. Last evaluated: 2020-10-09. Review status: criteria provided, single submitter. Criteria: Ambry Variant Classification Scheme 2023. Collection method: clinical testing. Allele origin: germline.
Comment: The p.Q57R variant (also known as c.170A>G), located in coding exon 1 of the DOLK gene, results from an A to G substitution at nucleotide position 170. The glutamine at codon 57 is replaced by arginine, an amino acid with highly similar properties. This amino acid position is highly conserved in available vertebrate species. In addition, this alteration is predicted to be deleterious by in silico analysis. Since supporting evidence is limited at this time, the clinical significance of this alteration remains unclear.